The following is an entry in ClinVar:

ClinVar aggregate classification (germline): Uncertain significance. Review status: criteria provided, multiple submitters, no conflicts (2 of 4 stars). 2 submissions from 2 submitters: Uncertain significance (2). Last evaluated 2025-06-29.

Conditions:
Hereditary pulmonary alveolar proteinosis. Also called: Pulmonary surfactant metabolism dysfunction. Identifiers: Orphanet 264675, MedGen C3711368, MONDO:0012580.

Allele frequency attached by ClinVar (database versions not stated): gnomAD exomes below 0.00001; ExAC 0.00001.
gnomAD v4.1: 6 of 1,614,020 alleles (0.00037%); highest among the groups gnomAD compares: Non-Finnish European, 0.00042%; no homozygotes.

Submissions (2):

Labcorp Genetics (formerly Invitae), Labcorp
Classification: Uncertain significance. Last evaluated: 2025-06-29. Review status: criteria provided, single submitter. Criteria: Invitae Variant Classification Sherloc (09022015). Collection method: clinical testing. Allele origin: germline.
Comment: This sequence change replaces glycine, which is neutral and non-polar, with glutamic acid, which is acidic and polar, at codon 826 of the ABCA3 protein (p.Gly826Glu). This variant is present in population databases (rs767369137, gnomAD 0.0009%). This variant has not been reported in the literature in individuals affected with ABCA3-related conditions. ClinVar contains an entry for this variant (Variation ID: 2251421). Invitae Evidence Modeling of protein sequence and biophysical properties (such as structural, functional, and spatial information, amino acid conservation, physicochemical variation, residue mobility, and thermodynamic stability) indicates that this missense variant is expected to disrupt ABCA3 protein function with a positive predictive value of 80%. In summary, the available evidence is currently insufficient to determine the role of this variant in disease. Therefore, it has been classified as a Variant of Uncertain Significance.

Ambry Genetics
Classification: Uncertain significance for Hereditary pulmonary alveolar proteinosis. Last evaluated: 2021-09-17. Review status: criteria provided, single submitter. Criteria: Ambry Variant Classification Scheme 2023. Collection method: clinical testing. Allele origin: germline.

NM_001089.3(ABCA3):c.2477G>A (p.Gly826Glu)

Gene: ABCA3 (ATP binding cassette subfamily A member 3; minus strand). Cytogenetic location: 16p13.3.
Variant type: single nucleotide variant.
Coding change: c.2477G>A on transcript NM_001089.3 (MANE Select); coding-DNA position 2477, G replaced by A.
Protein change: p.Gly826Glu; replaces glycine 826 with glutamic acid.
Molecular consequence: missense variant.
Genome position (GRCh38, 1-based): chr16:2,292,176, C>T on the plus strand (G>A on the coding strand, the complement: ABCA3 is on the minus strand). VCF-style: chr16-2292176-C-T. GRCh37 (hg19) VCF-style: chr16-2342177-C-T.
Other names: short protein forms G826E.
Identifiers: ClinVar variation 2251421 (VCV002251421.4), dbSNP rs767369137, ClinGen allele CA7840809.